The following is an entry in ClinVar:

ClinVar aggregate classification (germline): Pathogenic. Review status: criteria provided, multiple submitters, no conflicts (2 of 4 stars). 8 submissions from 8 submitters: Pathogenic (8). Last evaluated 2024-10-09.

Conditions:
Hereditary cancer-predisposing syndrome. Also called: Hereditary neoplastic syndrome; Neoplastic Syndromes, Hereditary; Tumor predisposition; Hereditary Cancer Syndrome. Identifiers: Orphanet 140162, MedGen C0027672, MeSH D009386, MONDO:0015356.
Classic or attenuated familial adenomatous polyposis. Identifiers: MedGen CN372698, MONDO:0021057.
Familial multiple polyposis syndrome (FAP). Also called: Familial adenomatous polyposis; Familial intestinal polyposis; Classic familial adenomatous polyposis; Familial polyposis; Familial Adenomatous Polyposis (FAP). Identifiers: Orphanet 733, MedGen C0032580, MONDO:0021055. Disease mechanism: loss of function.
Familial adenomatous polyposis 1 (FAP1). Also called: FAMILIAL ADENOMATOUS POLYPOSIS 1, ATTENUATED; POLYPOSIS, ADENOMATOUS INTESTINAL. Identifiers: MedGen C2713442, MONDO:0021056, OMIM 175100. Disease mechanism: loss of function.

gnomAD v4.1: 1 of 1,606,910 alleles (0.000062%); highest among the groups gnomAD compares: Non-Finnish European, 0.000085%; no homozygotes.

Submissions (8):

GeneDx
Classification: Pathogenic. Last evaluated: 2024-10-09. Review status: criteria provided, single submitter. Criteria: GeneDx Variant Classification Process June 2021. Collection method: clinical testing. Allele origin: germline. Affected: yes.
Comment: Nonsense variant predicted to result in protein truncation or nonsense mediated decay in a gene for which loss of function is a known mechanism of disease; Not observed at significant frequency in large population cohorts (gnomAD); This variant is associated with the following publications: (PMID: 25525159, 8956059, 23159591, 21779980, 27623068, 29710228, 20223039, 15951963, 26414517)

Department of Pathology and Laboratory Medicine, Sinai Health System
Classification: Pathogenic for classic or attenuated familial adenomatous polyposis. Last evaluated: 2024-07-09. Review status: criteria provided, single submitter. Criteria: ACMG Guidelines, 2015. Collection method: clinical testing. Allele origin: germline.

Labcorp Genetics (formerly Invitae), Labcorp
Classification: Pathogenic for Familial adenomatous polyposis 1. Last evaluated: 2024-06-21. Review status: criteria provided, single submitter. Criteria: Invitae Variant Classification Sherloc (09022015). Collection method: clinical testing. Allele origin: germline.
Comment: This sequence change creates a premature translational stop signal (p.Tyr159*) in the APC gene. It is expected to result in an absent or disrupted protein product. Loss-of-function variants in APC are known to be pathogenic (PMID: 17963004, 20685668). The frequency data for this variant in the population databases is considered unreliable, as metrics indicate poor data quality at this position in the gnomAD database. This premature translational stop signal has been observed in individual(s) with familial adenomatous polyposis (PMID: 8956059, 15951963, 20223039). ClinVar contains an entry for this variant (Variation ID: 246084). Studies have shown that this premature translational stop signal is associated with inconclusive levels of altered splicing (Invitae). For these reasons, this variant has been classified as Pathogenic.

Baylor Genetics
Classification: Pathogenic for Familial adenomatous polyposis 1. Last evaluated: 2024-03-12. Review status: criteria provided, single submitter. Criteria: ACMG Guidelines, 2015. Collection method: clinical testing. Allele origin: unknown.

Myriad Genetics, Inc.
Classification: Pathogenic for Familial adenomatous polyposis 1. Last evaluated: 2023-04-26. Review status: criteria provided, single submitter. Criteria: Myriad Autosomal Dominant, Autosomal Recessive and X-Linked Classification Criteria (2023). Collection method: clinical testing. Allele origin: unknown.
Comment: This variant is considered pathogenic. This variant creates a termination codon and is predicted to result in premature protein truncation.

Ambry Genetics
Classification: Pathogenic for Hereditary cancer-predisposing syndrome. Last evaluated: 2023-03-28. Review status: criteria provided, single submitter. Criteria: Ambry Variant Classification Scheme 2023. Collection method: clinical testing. Allele origin: germline.
Comment: The p.Y159* pathogenic mutation (also known as c.477C>G), located in coding exon 4 of the APC gene, results from a C to G substitution at nucleotide position 477. This changes the amino acid from a tyrosine to a stop codon within coding exon 4. This mutation has been identified in multiple patients with classical familial adenomatous polyposis (FAP) and attenuated FAP (AFAP)(Friedl W and Aretz S. Hered Cancer in Clin Practice. 2005 Sep 15;3(3):95-114; Marshall B et al. Hum Mut. 1996; 8(4):395-396). A different nucleotide substitution at this position (c.477C>A) that results in the same stop codon has been seen in multiple patients with FAP, including a patient with the cribriform-morula variant of papillary thyroid carcinoma (Jarry J et al. Fam. Cancer. 2011 Dec;10(4):659-65; Uchino S et al. J. Clin. Endocrinol. Metab. 2016 Sep:jc20162043). This alteration is expected to result in loss of function by premature protein truncation or nonsense-mediated mRNA decay. As such, this alteration is interpreted as a disease-causing mutation.

Women's Health and Genetics/Laboratory Corporation of America, LabCorp
Classification: Pathogenic for Familial multiple polyposis syndrome. Last evaluated: 2022-02-10. Review status: criteria provided, single submitter. Criteria: LabCorp Variant Classification Summary - May 2015. Collection method: clinical testing. Allele origin: germline.
Comment: Variant summary: APC c.477C>G (p.Tyr159X) results in a premature termination codon, predicted to cause a truncation of the encoded protein or absence of the protein due to nonsense mediated decay, which are commonly known mechanisms for disease. Truncations downstream of this position have been classified as pathogenic by our laboratory. The variant was absent in 278570 control chromosomes (gnomAD). c.477C>G has been reported in the literature in individuals affected with Familial Adenomatous Polyposis (example: Marshall_1996, Friedl_2005, Truta_2005, Chang_2018). These data indicate that the variant is likely to be associated with disease. To our knowledge, no experimental evidence demonstrating an impact on protein function has been reported. Four ClinVar submitters have assessed the variant since 2014: all four classified the variant as pathogenic. Based on the evidence outlined above, the variant was classified as pathogenic.

Mayo Clinic Laboratories, Mayo Clinic
Classification: Pathogenic. Last evaluated: 2019-11-03. Review status: criteria provided, single submitter. Criteria: ACMG Guidelines, 2015. Collection method: clinical testing. Allele origin: germline. Observed: 1 variant allele.
Comment: PVS1, PM2, PP4

Literature cited by the submitters: PubMed 8956059 (cited by 4 submitters); PubMed 20223039 (cited by 4 submitters); PubMed 17963004 (cited by Labcorp Genetics (formerly Invitae), Labcorp); PubMed 20685668 (cited by Labcorp Genetics (formerly Invitae), Labcorp); PubMed 15951963 (cited by 4 submitters); PubMed 21779980 (cited by Ambry Genetics); PubMed 25525159 (cited by Ambry Genetics); PubMed 27623068 (cited by Ambry Genetics); PubMed 29710228 (cited by Women's Health and Genetics/Laboratory Corporation of America, LabCorp).

NM_000038.6(APC):c.477C>G (p.Tyr159Ter)

Gene: APC (APC regulator of Wnt signaling pathway; plus strand). Cytogenetic location: 5q22.2.
Variant type: single nucleotide variant.
Coding change: c.477C>G on transcript NM_000038.6 (MANE Select); coding-DNA position 477, C replaced by G.
Protein change: p.Tyr159Ter; replaces tyrosine 159 with a stop codon.
Molecular consequence: nonsense. On other transcripts: 5 prime UTR variant (1).
Genome position (GRCh38, 1-based): chr5:112,775,683, C>G. VCF-style: chr5-112775683-C-G. GRCh37 (hg19) VCF-style: chr5-112111380-C-G.
Other names: c.477C>G, p.Tyr159Ter (NM_001127510.3, NM_001354895.2, NM_001354896.2 and 2 more transcripts); c.507C>G, p.Tyr169Ter (NM_001127511.3, NM_001354897.2, NM_001354902.2); c.402C>G, p.Tyr134Ter (NM_001354898.2, NM_001354904.2); c.300C>G, p.Tyr100Ter (NM_001354900.2, NM_001354901.2, NM_001354905.2); c.-559C>G (NM_001354906.2); short protein forms Y159*, Y169*, Y134*, Y100*.
Identifiers: ClinVar variation 246084 (VCV000246084.28), dbSNP rs863224281, ClinGen allele CA10584237.